The following is an entry in ClinVar:

ClinVar aggregate classification (germline): Conflicting classifications of pathogenicity. Review status: criteria provided, conflicting classifications (1 of 4 stars). 3 submissions from 3 submitters: Uncertain significance (1); Likely benign (1). 1 of the submissions does not count toward it. Last evaluated 2025-10-20.

Conditions:
Nephrotic syndrome, type 13 (NPHS13). Identifiers: Orphanet 656, MedGen C4225165, MONDO:0014818, OMIM 616893.
NUP205-related disorder. Also called: NUP205-related condition.

Allele frequency attached by ClinVar (database versions not stated): ExAC 0.00034; 1000 Genomes Project 0.00160; ESP Exome Variant Server 0.00108; TOPMed 0.00116; 1000 Genomes Project 30x 0.00156; gnomAD 0.00113.
gnomAD v4.1: 291 of 1,611,716 alleles (0.018%); highest among the groups gnomAD compares: African/African-American, 0.36%; no homozygotes.

Submissions (3):

Labcorp Genetics (formerly Invitae), Labcorp
Classification: Likely benign. Last evaluated: 2025-10-20. Review status: criteria provided, single submitter. Criteria: Invitae Variant Classification Sherloc (09022015). Collection method: clinical testing. Allele origin: germline.

Clinical Genomics Laboratory, Washington University in St. Louis
Classification: Uncertain significance for Nephrotic syndrome, type 13. Last evaluated: 2024-01-25. Review status: criteria provided, single submitter. Criteria: ACMG Guidelines, 2015. Collection method: clinical testing. Allele origin: germline.
Comment: The NUP205 c.490C>T (p.Pro164Ser) variant, to our knowledge, has not been reported in the medical literature. Computational predictors suggest that the variant does not impact NUP205 function. This variant is observed on 291/1,611,716 alleles in the general population (gnomAD v4.0.0). Due to limited information, and based on ACMG/AMP guidelines for variant interpretation (Richards S et al., PMID: 25741868), the clinical significance of the NUP205 c.490C>T (p.Pro164Ser) variant is uncertain at this time.

PreventionGenetics, part of Exact Sciences
Classification: Likely benign for NUP205-related condition. Last evaluated: 2022-12-18. Review status: no assertion criteria provided. Collection method: clinical testing. Allele origin: germline. Not counted in ClinVar's aggregate classification.
Comment: This variant is classified as likely benign based on ACMG/AMP sequence variant interpretation guidelines (Richards et al. 2015 PMID: 25741868, with internal and published modifications).

NM_015135.3(NUP205):c.490C>T (p.Pro164Ser)

Gene: NUP205 (nucleoporin 205; plus strand). Cytogenetic location: 7q33.
Variant type: single nucleotide variant.
Coding change: c.490C>T on transcript NM_015135.3 (MANE Select); coding-DNA position 490, C replaced by T.
Protein change: p.Pro164Ser; replaces proline 164 with serine.
Molecular consequence: missense variant. On other transcripts: 5 prime UTR variant (1).
Genome position (GRCh38, 1-based): chr7:135,576,970, C>T. VCF-style: chr7-135576970-C-T. GRCh37 (hg19) VCF-style: chr7-135261718-C-T.
Other names: c.490C>T (NM_015135.2); c.-596C>T (NM_001329434.2); short protein forms P164S.
Identifiers: ClinVar variation 2756249 (VCV002756249.6), dbSNP rs150542529, ClinGen allele CA4497872.